The following is an entry in ClinVar:

ClinVar aggregate classification (germline): Uncertain significance (1 of 4 stars; one submission).

Conditions:
Autosomal dominant Parkinson disease 8. Also called: Parkinson disease 8, susceptibility to; LRRK2-Related Parkinson Disease; Parkinson disease 8. Identifiers: Orphanet 411602, MedGen C1846862, MONDO:0011764, OMIM 607060.

Submission:

Labcorp Genetics (formerly Invitae), Labcorp
Classification: Uncertain significance for Autosomal dominant Parkinson disease 8. Last evaluated: 2026-01-27. Review status: criteria provided, single submitter. Criteria: Invitae Variant Classification Sherloc (09022015). Collection method: clinical testing. Allele origin: germline.
Comment: This sequence change replaces leucine, which is neutral and non-polar, with valine, which is neutral and non-polar, at codon 2140 of the LRRK2 protein (p.Leu2140Val). This variant is not present in population databases (gnomAD no frequency). This variant has not been reported in the literature in individuals affected with LRRK2-related conditions. Invitae Evidence Modeling of protein sequence and biophysical properties (such as structural, functional, and spatial information, amino acid conservation, physicochemical variation, residue mobility, and thermodynamic stability) has been performed for this missense variant. However, the output from this modeling did not meet the statistical confidence thresholds required to predict the impact of this variant on LRRK2 protein function. In summary, the available evidence is currently insufficient to determine the role of this variant in disease. Therefore, it has been classified as a Variant of Uncertain Significance.

NM_198578.4(LRRK2):c.6418C>G (p.Leu2140Val)

Gene: LRRK2 (leucine rich repeat kinase 2; plus strand). Cytogenetic location: 12q12.
Variant type: single nucleotide variant.
Coding change: c.6418C>G on transcript NM_198578.4 (MANE Select); coding-DNA position 6418, C replaced by G.
Protein change: p.Leu2140Val; replaces leucine 2140 with valine.
Molecular consequence: missense variant.
Genome position (GRCh38, 1-based): chr12:40,351,575, C>G. VCF-style: chr12-40351575-C-G. GRCh37 (hg19) VCF-style: chr12-40745377-C-G.
Other names: short protein forms L2140V.
Identifiers: ClinVar variation 4714794 (VCV004714794.1).